The following is an entry in ClinVar:

NM_022124.6(CDH23):c.2163C>T (p.Ile721=)

Gene: CDH23 (cadherin related 23; plus strand). Cytogenetic location: 10q22.1.
Variant type: single nucleotide variant.
Coding change: c.2163C>T on transcript NM_022124.6 (MANE Select); coding-DNA position 2163, C replaced by T.
Protein change: p.Ile721=; no amino-acid change (isoleucine 721 retained).
Molecular consequence: synonymous variant.
Genome position (GRCh38, 1-based): chr10:71,690,571, C>T. VCF-style: chr10-71690571-C-T. GRCh37 (hg19) VCF-style: chr10-73450328-C-T.
Other names: c.2163C>T, p.Ile721= (NM_001171930.2, NM_001171931.2); c.2163C>T (NM_022124.5).
Identifiers: ClinVar variation 991915 (VCV000991915.15), dbSNP rs192326086, ClinGen allele CA5544106.

ClinVar aggregate classification (germline): Conflicting classifications of pathogenicity. Review status: criteria provided, conflicting classifications (1 of 4 stars). 5 submissions from 5 submitters: Uncertain significance (1); Likely benign (3). 1 of the submissions does not count toward it. Last evaluated 2026-01-14.

Conditions:
CDH23-related disorder. Also called: CDH23-related disorders; CDH23-related condition.
Usher syndrome type 1 (USH1). Also called: RETINITIS PIGMENTOSA AND CONGENITAL DEAFNESS. Identifiers: Orphanet 231169, Orphanet 886, MedGen C1568247, MONDO:0010168, OMIM 276900.

Allele frequency attached by ClinVar (database versions not stated): gnomAD 0.00039 and 0.00038; 1000 Genomes Project 0.00080; 1000 Genomes Project 30x 0.00109; gnomAD exomes 0.00003 and 0.00007; ExAC 0.00014; ESP Exome Variant Server 0.00033; TOPMed 0.00033.
gnomAD v4.1: 103 of 1,601,594 alleles (0.0064%); highest among the groups gnomAD compares: African/African-American, 0.14%; no homozygotes.

Submissions (5):

Labcorp Genetics (formerly Invitae), Labcorp
Classification: Likely benign. Last evaluated: 2026-01-14. Review status: criteria provided, single submitter. Criteria: Invitae Variant Classification Sherloc (09022015). Collection method: clinical testing. Allele origin: germline.

PreventionGenetics, part of Exact Sciences
Classification: Likely benign for CDH23-related condition. Last evaluated: 2025-11-19. Review status: criteria provided, single submitter. Criteria: ACMG Guidelines, 2015. Collection method: clinical testing. Allele origin: germline.
Comment: This variant is classified as likely benign based on ACMG/AMP sequence variant interpretation guidelines (Richards et al. 2015 PMID: 25741868, with internal and published modifications).

Blueprint Genetics
Classification: Likely benign. Last evaluated: 2023-07-27. Review status: criteria provided, single submitter. Criteria: ACMG Guidelines, 2015. Collection method: clinical testing. Allele origin: germline.

GeneDx
Classification: Uncertain significance. Last evaluated: 2021-08-13. Review status: criteria provided, single submitter. Criteria: GeneDx Variant Classification Process June 2021. Collection method: clinical testing. Allele origin: germline. Affected: yes.
Comment: In silico analysis, which includes splice predictors and evolutionary conservation, supports that this variant does not alter splicing; Has not been previously published as pathogenic or benign to our knowledge

Natera, Inc.
Classification: Uncertain significance for Usher syndrome type 1. Last evaluated: 2020-04-15. Review status: no assertion criteria provided. Collection method: clinical testing. Allele origin: germline. Not counted in ClinVar's aggregate classification.